The following is an entry in ClinVar:

ClinVar aggregate classification (germline): Uncertain significance. Review status: criteria provided, multiple submitters, no conflicts (2 of 4 stars). 3 submissions from 3 submitters: Uncertain significance (3). Last evaluated 2026-01-12.

Conditions:
Cardiovascular phenotype. Identifiers: MedGen CN230736.
DK1-congenital disorder of glycosylation. Also called: DK1-CDG; CONGENITAL DISORDER OF GLYCOSYLATION, TYPE Im; CDG Im; DK1 DEFICIENCY; DOLICHOL KINASE DEFICIENCY; DOLK-congenital disorder of glycosylation. Identifiers: Orphanet 91131, MedGen C1835849, MONDO:0012556, OMIM 610768.

Allele frequency attached by ClinVar (database versions not stated): TOPMed 0.00006; ExAC 0.00007; gnomAD 0.00007 and 0.00008; gnomAD exomes 0.00007.

Submissions (3):

Labcorp Genetics (formerly Invitae), Labcorp
Classification: Uncertain significance for DK1-congenital disorder of glycosylation. Last evaluated: 2026-01-12. Review status: criteria provided, single submitter. Criteria: Invitae Variant Classification Sherloc (09022015). Collection method: clinical testing. Allele origin: germline.
Comment: This sequence change replaces valine, which is neutral and non-polar, with glycine, which is neutral and non-polar, at codon 170 of the DOLK protein (p.Val170Gly). This variant is present in population databases (rs745609223, gnomAD 0.01%). This variant has not been reported in the literature in individuals affected with DOLK-related conditions. ClinVar contains an entry for this variant (Variation ID: 954280). Invitae Evidence Modeling of protein sequence and biophysical properties (such as structural, functional, and spatial information, amino acid conservation, physicochemical variation, residue mobility, and thermodynamic stability) has been performed for this missense variant. However, the output from this modeling did not meet the statistical confidence thresholds required to predict the impact of this variant on DOLK protein function. In summary, the available evidence is currently insufficient to determine the role of this variant in disease. Therefore, it has been classified as a Variant of Uncertain Significance.

Ambry Genetics
Classification: Uncertain significance for Cardiovascular phenotype. Last evaluated: 2025-03-23. Review status: criteria provided, single submitter. Criteria: Ambry Variant Classification Scheme 2023. Collection method: clinical testing. Allele origin: germline.
Comment: The p.V170G variant (also known as c.509T>G), located in coding exon 1 of the DOLK gene, results from a T to G substitution at nucleotide position 509. The valine at codon 170 is replaced by glycine, an amino acid with dissimilar properties. This amino acid position is conserved. In addition, the in silico prediction for this alteration is inconclusive. Since supporting evidence is limited at this time, the clinical significance of this alteration remains unclear.

Fulgent Genetics
Classification: Uncertain significance for DK1-congenital disorder of glycosylation. Last evaluated: 2021-08-04. Review status: criteria provided, single submitter. Criteria: ACMG Guidelines, 2015. Collection method: clinical testing. Allele origin: unknown.

NM_014908.4(DOLK):c.509T>G (p.Val170Gly)

Gene: DOLK (dolichol kinase; minus strand). Cytogenetic location: 9q34.11.
Variant type: single nucleotide variant.
Coding change: c.509T>G on transcript NM_014908.4 (MANE Select); coding-DNA position 509, T replaced by G.
Protein change: p.Val170Gly; replaces valine 170 with glycine.
Molecular consequence: missense variant.
Genome position (GRCh38, 1-based): chr9:128,946,795, A>C on the plus strand (T>G on the coding strand, the complement: DOLK is on the minus strand). VCF-style: chr9-128946795-A-C. GRCh37 (hg19) VCF-style: chr9-131709074-A-C.
Other names: short protein forms V170G.
Identifiers: ClinVar variation 954280 (VCV000954280.10), dbSNP rs745609223, ClinGen allele CA5271733.
Genomic context (GRCh38, chr9:128,946,795, plus strand): 5'-GTGAAGCAGCGGGGCAGCAGGTACAGCAGGATCATGTTGAGATAAACGAAGATCAGAAGG[A>C]CTTCCAGGACTTCGATCACCTCCCCCACGCTCAACGAGTGCTTCATGATATAAATGATAA-3'
Protein context (NP_055723.1, residues 160-180): SVGEVIEVLE[Val170Gly]LLIFVYLNMI